The following is an entry in ClinVar:

ClinVar aggregate classification (germline): Likely benign. Review status: criteria provided, single submitter (1 of 4 stars). 2 submissions from 2 submitters: Likely benign (1). 1 of the submissions does not count toward it. Last evaluated 2022-11-01.

Conditions:
MAP3K6-related disorder. Also called: MAP3K6-related condition.

Allele frequency attached by ClinVar (database versions not stated): ExAC 0.00007; gnomAD exomes 0.00009; gnomAD 0.00011; TOPMed 0.00012; ESP Exome Variant Server 0.00038.
gnomAD v4.1: 150 of 1,612,726 alleles (0.0093%); highest among the groups gnomAD compares: Middle Eastern, 0.016%; no homozygotes.

Submissions (2):

CeGaT Center for Human Genetics Tuebingen
Classification: Likely benign. Last evaluated: 2022-11-01. Review status: criteria provided, single submitter. Criteria: CeGaT Center For Human Genetics Tuebingen Variant Classification Criteria Version 2. Collection method: clinical testing. Allele origin: germline. Affected: yes. Observed: 1 variant allele.
Comment: MAP3K6: BP4, BP7

PreventionGenetics, part of Exact Sciences
Classification: Likely benign for MAP3K6-related condition. Last evaluated: 2019-09-09. Review status: no assertion criteria provided. Collection method: clinical testing. Allele origin: germline. Not counted in ClinVar's aggregate classification.
Comment: This variant is classified as likely benign based on ACMG/AMP sequence variant interpretation guidelines (Richards et al. 2015 PMID: 25741868, with internal and published modifications).

NM_004672.5(MAP3K6):c.738G>A (p.Ala246=)

Gene: MAP3K6 (mitogen-activated protein kinase kinase kinase 6; minus strand). Cytogenetic location: 1p36.11.
Variant type: single nucleotide variant.
Coding change: c.738G>A on transcript NM_004672.5 (MANE Select); coding-DNA position 738, G replaced by A.
Protein change: p.Ala246=; no amino-acid change (alanine 246 retained).
Molecular consequence: synonymous variant.
Genome position (GRCh38, 1-based): chr1:27,364,043, C>T on the plus strand (G>A on the coding strand, the complement: MAP3K6 is on the minus strand). VCF-style: chr1-27364043-C-T. GRCh37 (hg19) VCF-style: chr1-27690534-C-T.
Other names: c.714G>A, p.Ala238= (NM_001297609.2); c.738G>A (NM_004672.4).
Identifiers: ClinVar variation 2638560 (VCV002638560.25), dbSNP rs145528948, ClinGen allele CA714012.